The following is an entry in ClinVar:

NM_005816.5(CD96):c.1602-7T>A

Gene: CD96 (CD96 molecule; plus strand). Cytogenetic location: 3q13.2.
Variant type: single nucleotide variant.
Coding change: c.1602-7T>A on transcript NM_005816.5 (MANE Select); 7 bases into the intron before coding-DNA position 1602, T replaced by A.
Molecular consequence: intron variant.
Genome position (GRCh38, 1-based): chr3:111,649,691, T>A. VCF-style: chr3-111649691-T-A. GRCh37 (hg19) VCF-style: chr3-111368538-T-A.
Other names: c.1650-7T>A (NM_198196.3); c.1599-7T>A (NM_001410800.1).
Identifiers: ClinVar variation 2889874 (VCV002889874.3), dbSNP rs374984505, ClinGen allele CA2534874.

ClinVar aggregate classification (germline): Uncertain significance (1 of 4 stars; one submission).

Allele frequency attached by ClinVar (database versions not stated): gnomAD 0.00001; gnomAD exomes 0.00001; ExAC 0.00002; TOPMed 0.00003; ESP Exome Variant Server 0.00008.
gnomAD v4.1: 20 of 1,574,836 alleles (0.0013%); highest among the groups gnomAD compares: Middle Eastern, 0.017%; no homozygotes.

Submission:

Labcorp Genetics (formerly Invitae), Labcorp
Classification: Uncertain significance. Last evaluated: 2023-07-16. Review status: criteria provided, single submitter. Criteria: Invitae Variant Classification Sherloc (09022015). Collection method: clinical testing. Allele origin: germline.
Comment: In summary, the available evidence is currently insufficient to determine the role of this variant in disease. Therefore, it has been classified as a Variant of Uncertain Significance. Algorithms developed to predict the effect of sequence changes on RNA splicing suggest that this variant may disrupt the consensus splice site. This variant has not been reported in the literature in individuals affected with CD96-related conditions. This variant is present in population databases (rs374984505, gnomAD 0.009%). This sequence change falls in intron 14 of the CD96 gene. It does not directly change the encoded amino acid sequence of the CD96 protein.